The following is an entry in ClinVar:

NM_006031.6(PCNT):c.2444C>T (p.Thr815Met)

Gene: PCNT (pericentrin; plus strand). Cytogenetic location: 21q22.3.
Variant type: single nucleotide variant.
Coding change: c.2444C>T on transcript NM_006031.6 (MANE Select); coding-DNA position 2444, C replaced by T.
Protein change: p.Thr815Met; replaces threonine 815 with methionine.
Molecular consequence: missense variant.
Genome position (GRCh38, 1-based): chr21:46,363,769, C>T. VCF-style: chr21-46363769-C-T. GRCh37 (hg19) VCF-style: chr21-47783684-C-T.
Other names: c.2090C>T, p.Thr697Met (NM_001315529.2); short protein forms T815M, T697M.
Identifiers: ClinVar variation 340477 (VCV000340477.6), dbSNP rs201895762, ClinGen allele CA10078971.

ClinVar aggregate classification (germline): Uncertain significance. Review status: criteria provided, single submitter (1 of 4 stars). 2 submissions from 2 submitters: Uncertain significance (1). 1 of the submissions does not count toward it. Last evaluated 2018-01-12.

Conditions:
PCNT-related disorder. Also called: PCNT-related condition.
Microcephalic osteodysplastic primordial dwarfism type II (MOPD2). Also called: Microcephalic osteodysplastic primordial dwarfism with tooth abnormalities; MOPD II; OSTEODYSPLASTIC PRIMORDIAL DWARFISM, TYPE II. Identifiers: Orphanet 2637, MedGen C0432246, MONDO:0008872, OMIM 210720.

Allele frequency attached by ClinVar (database versions not stated): TOPMed 0.00005; gnomAD 0.00006; 1000 Genomes Project 0.00060; 1000 Genomes Project 30x 0.00062.
gnomAD v4.1: 46 of 1,614,056 alleles (0.0028%); highest among the groups gnomAD compares: South Asian, 0.018%; no homozygotes.

Submissions (2):

Illumina Laboratory Services, Illumina
Classification: Uncertain significance for Microcephalic osteodysplastic primordial dwarfism type II. Last evaluated: 2018-01-12. Review status: criteria provided, single submitter. Criteria: ICSL Variant Classification Criteria 13 December 2019. Collection method: clinical testing. Allele origin: germline.

PreventionGenetics, part of Exact Sciences
Classification: Uncertain significance for PCNT-related condition. Last evaluated: 2024-05-14. Review status: no assertion criteria provided. Collection method: clinical testing. Allele origin: germline. Not counted in ClinVar's aggregate classification.
Comment: The PCNT c.2444C>T variant is predicted to result in the amino acid substitution p.Thr815Met. To our knowledge, this variant has not been reported in the literature. This variant is reported in 0.023% of alleles in individuals of South Asian descent in gnomAD. At this time, the clinical significance of this variant is uncertain due to the absence of conclusive functional and genetic evidence.